The following is an entry in ClinVar:

ClinVar aggregate classification (germline): Uncertain significance. Review status: criteria provided, multiple submitters, no conflicts (2 of 4 stars). 4 submissions from 4 submitters: Uncertain significance (3). 1 of the submissions does not count toward it. Last evaluated 2025-01-14.

Conditions:
Hereditary cancer-predisposing syndrome. Also called: Neoplastic Syndromes, Hereditary; Hereditary neoplastic syndrome; Tumor predisposition; Hereditary Cancer Syndrome. Identifiers: Orphanet 140162, MedGen C0027672, MeSH D009386, MONDO:0015356.
Familial cancer of breast. Also called: hereditary breast carcinoma; BREAST CANCER, FAMILIAL; Hereditary breast cancer. Identifiers: Orphanet 227535, MedGen C0346153, MONDO:0016419, OMIM 114480. Disease mechanism: loss of function.
Fanconi anemia, complementation group S (FANCS). Identifiers: MedGen C4554406, MONDO:0054748, OMIM 617883.
Breast-ovarian cancer, familial, susceptibility to, 1 (BROVCA1). Also called: BRCA1 Hereditary Breast and Ovarian Cancer; OVARIAN CANCER, SUSCEPTIBILITY TO. Identifiers: Orphanet 145, MedGen C2676676, MONDO:0011450, OMIM 604370. Disease mechanism: loss of function.

Allele frequency attached by ClinVar (database versions not stated): gnomAD exomes below 0.00001.
gnomAD v4.1: 1 of 1,614,232 alleles (0.000062%); highest among the groups gnomAD compares: Non-Finnish European, 0.000085%; no homozygotes.

Submissions (4):

Ambry Genetics
Classification: Uncertain significance for Hereditary cancer-predisposing syndrome. Last evaluated: 2025-01-14. Review status: criteria provided, single submitter. Criteria: Ambry Variant Classification Scheme 2023. Collection method: clinical testing. Allele origin: germline.
Comment: The p.S1580Y variant (also known as c.4739C>A), located in coding exon 14 of the BRCA1 gene, results from a C to A substitution at nucleotide position 4739. The serine at codon 1580 is replaced by tyrosine, an amino acid with dissimilar properties. In a study utilizing a functional assay in combination with a Bayesian hierarchical model to estimate the likelihood of pathogenicity, this alteration was classified as a variant of unknown significance (Woods NT et al. NPJ Genom Med, 2016 Mar;1:). This amino acid position is poorly conserved in available vertebrate species. In addition, the in silico prediction for this alteration is inconclusive. Based on the available evidence, the clinical significance of this variant remains unclear.

All of Us Research Program, National Institutes of Health
Classification: Uncertain significance for Breast-ovarian cancer, familial, susceptibility to, 1. Last evaluated: 2023-10-30. Review status: criteria provided, single submitter. Criteria: ACMG Guidelines, 2015. Collection method: clinical testing. Allele origin: germline. Inheritance: Autosomal dominant inheritance. Observed: 2 variant alleles, 2 heterozygotes.
Comment: This missense variant replaces serine with tyrosine at codon 1580 of the BRCA1 protein. Computational prediction is inconclusive regarding the impact of this variant on protein structure and function (internally defined REVEL score threshold 0.5 < inconclusive < 0.7, PMID: 27666373). A functional study has that this variant does not impact BRCA1 function in a transcription activation assay (PMID: 28781887, 29884841). This variant has been reported in at least one suspected hereditary breast and ovarian cancer family with the co-occurrence of a BRCA2 pathogenic variant in the family (PMID: 24916970). This variant has not been identified in the general population by the Genome Aggregation Database (gnomAD). The available evidence is insufficient to determine the role of this variant in disease conclusively. Therefore, this variant is classified as a Variant of Uncertain Significance.

This study involves interpretation of variants in research participants for the purpose of population health screening. Participant phenotype was not available at the time of variant classification. Additional details can be found in publication PMID: 35346344, PMCID: PMC8962531

Department of Pathology and Laboratory Medicine, Sinai Health System
Classification: Uncertain significance for Familial cancer of breast; Breast-ovarian cancer, familial, susceptibility to, 1; Fanconi anemia, complementation group S. Last evaluated: 2021-09-27. Review status: criteria provided, single submitter. Criteria: ACMG Guidelines, 2015. Collection method: clinical testing. Allele origin: germline. Affected: yes.

Research Molecular Genetics Laboratory, Women's College Hospital, University of Toronto
Classification: Uncertain significance. Last evaluated: 2014-01-31. Review status: no assertion criteria provided. Collection method: research. Allele origin: germline. Affected: yes. Study: The Canadian Open Genetics Repository (COGR). Not counted in ClinVar's aggregate classification.

Literature cited by the submitters: PubMed 28781887 (cited by Ambry Genetics and All of Us Research Program, National Institutes of Health); PubMed 24916970 (cited by All of Us Research Program, National Institutes of Health); PubMed 29884841 (cited by All of Us Research Program, National Institutes of Health).

NM_007294.4(BRCA1):c.4739C>A (p.Ser1580Tyr)

Gene: BRCA1 (BRCA1 DNA repair associated; minus strand). Cytogenetic location: 17q21.31.
Variant type: single nucleotide variant.
Coding change: c.4739C>A on transcript NM_007294.4 (MANE Select); coding-DNA position 4739, C replaced by A.
Protein change: p.Ser1580Tyr; replaces serine 1580 with tyrosine.
Molecular consequence: missense variant. On other transcripts: non-coding transcript variant (1).
Genome position (GRCh38, 1-based): chr17:43,071,175, G>T on the plus strand (C>A on the coding strand, the complement: BRCA1 is on the minus strand). VCF-style: chr17-43071175-G-T. GRCh37 (hg19) VCF-style: chr17-41223192-G-T.
Other names: c.1304C>A, p.Ser435Tyr (NM_001408444.1, NM_001408442.1, NM_001408443.1 and 10 more transcripts); c.1301C>A, p.Ser434Tyr (NM_001408445.1, NM_001408446.1, NM_001408447.1 and 2 more transcripts); c.1295C>A, p.Ser432Tyr (NM_001408451.1); c.1286C>A, p.Ser429Tyr (NM_001408462.1, NM_001408463.1, NM_001408464.1 and 7 more transcripts); c.1283C>A, p.Ser428Tyr (NM_001408468.1, NM_001408469.1, NM_001408470.1); c.1217C>A, p.Ser406Tyr (NM_001408483.1, NM_001408484.1, NM_001408485.1 and 5 more transcripts); c.1214C>A, p.Ser405Tyr (NM_001408492.1, NM_001408493.1); c.1190C>A, p.Ser397Tyr (NM_001408494.1); and 70 more; short protein forms S1580Y, S1533Y, S1601Y, S476Y, S368Y, S405Y, S407Y, S429Y.
Identifiers: ClinVar variation 431267 (VCV000431267.8), dbSNP rs80357411, ClinGen allele CA10592031.